The following is an entry in ClinVar:

NM_014053.4(FLVCR1):c.1482C>A (p.Asn494Lys)

Gene: FLVCR1 (FLVCR choline and heme transporter 1; plus strand). Cytogenetic location: 1q32.3.
Variant type: single nucleotide variant.
Coding change: c.1482C>A on transcript NM_014053.4 (MANE Select); coding-DNA position 1482, C replaced by A.
Protein change: p.Asn494Lys; replaces asparagine 494 with lysine.
Molecular consequence: missense variant.
Genome position (GRCh38, 1-based): chr1:212,889,214, C>A. VCF-style: chr1-212889214-C-A. GRCh37 (hg19) VCF-style: chr1-213062556-C-A.
Other names: short protein forms N494K.
Identifiers: ClinVar variation 852309 (VCV000852309.11), dbSNP rs1665130400, ClinGen allele CA344793892.
Genomic context (GRCh38, chr1:212,889,214, plus strand): 5'-AATTTTGTTCACATTGGCTCAAGGAAAGCTCACATCAGACTATGGTCCTAAGGCAGGGAA[C>A]ATTTTTCTCTGTGTCTGGATGTTTATAGGCATCATATTAACAGGTAAATTAGGGCGTTTG-3'
Protein context (NP_054772.1, residues 484-504): LTSDYGPKAG[Asn494Lys]IFLCVWMFIG

ClinVar aggregate classification (germline): Conflicting classifications of pathogenicity. Review status: criteria provided, conflicting classifications (1 of 4 stars). 3 submissions from 3 submitters: Pathogenic (1); Likely pathogenic (1); Uncertain significance (1). Last evaluated 2025-12-31.

Conditions:
FLVCR1-related disorder. Also called: FLVCR1-related condition.

gnomAD v4.1: 5 of 1,613,854 alleles (0.00031%); no homozygotes.

Submissions (3):

PreventionGenetics, part of Exact Sciences
Classification: Likely pathogenic for FLVCR1-related condition. Last evaluated: 2025-12-31. Review status: criteria provided, single submitter. Criteria: ACMG Guidelines, 2015. Collection method: clinical testing. Allele origin: germline.
Comment: The FLVCR1 c.1482C>A variant is predicted to result in the amino acid substitution p.Asn494Lys. This variant has been previously reported in the homozygous state in an individual with retinitis pigmentosa (Laddaran et al. 2024. Philippine Journal of Opthalmology). Missense prediction programs classify this amino acid change as damaging. This variant has not been reported in a large population database (gnomAD), indicating this variant is rare. This variant is interpreted as likely pathogenic.

Labcorp Genetics (formerly Invitae), Labcorp
Classification: Pathogenic. Last evaluated: 2024-11-18. Review status: criteria provided, single submitter. Criteria: Invitae Variant Classification Sherloc (09022015). Collection method: clinical testing. Allele origin: germline.
Comment: This sequence change replaces asparagine, which is neutral and polar, with lysine, which is basic and polar, at codon 494 of the FLVCR1 protein (p.Asn494Lys). This variant is not present in population databases (gnomAD no frequency). This missense change has been observed in individual(s) with retinitis pigmentosa (internal data). In at least one individual the data is consistent with being in trans (on the opposite chromosome) from a pathogenic variant. ClinVar contains an entry for this variant (Variation ID: 852309). Invitae Evidence Modeling of protein sequence and biophysical properties (such as structural, functional, and spatial information, amino acid conservation, physicochemical variation, residue mobility, and thermodynamic stability) indicates that this missense variant is expected to disrupt FLVCR1 protein function with a positive predictive value of 80%. For these reasons, this variant has been classified as Pathogenic.

Blueprint Genetics
Classification: Uncertain significance. Last evaluated: 2021-10-15. Review status: criteria provided, single submitter. Criteria: ACMG Guidelines, 2015. Collection method: clinical testing. Allele origin: germline.